The following is an entry in ClinVar:

NM_001243925.2(MAPKAPK3):c.1013C>T (p.Ala338Val)

Gene: MAPKAPK3 (MAPK activated protein kinase 3; plus strand). Cytogenetic location: 3p21.2.
Variant type: single nucleotide variant.
Coding change: c.1013C>T on transcript NM_001243925.2 (MANE Select); coding-DNA position 1013, C replaced by T.
Protein change: p.Ala338Val; replaces alanine 338 with valine.
Molecular consequence: missense variant.
Genome position (GRCh38, 1-based): chr3:50,647,910, C>T. VCF-style: chr3-50647910-C-T. GRCh37 (hg19) VCF-style: chr3-50685341-C-T.
Other names: c.1013C>T, p.Ala338Val (NM_001243926.2, NM_004635.5); short protein forms A338V.
Identifiers: ClinVar variation 966800 (VCV000966800.7), dbSNP rs750526292, ClinGen allele CA2420463.

ClinVar aggregate classification (germline): Uncertain significance (1 of 4 stars; one submission).

Allele frequency attached by ClinVar (database versions not stated): TOPMed below 0.00001; ExAC 0.00001; gnomAD 0.00001; gnomAD exomes 0.00001.
gnomAD v4.1: 10 of 1,613,392 alleles (0.00062%); highest among the groups gnomAD compares: Non-Finnish European, 0.00085%; no homozygotes.

Submission:

Labcorp Genetics (formerly Invitae), Labcorp
Classification: Uncertain significance. Last evaluated: 2025-06-15. Review status: criteria provided, single submitter. Criteria: Invitae Variant Classification Sherloc (09022015). Collection method: clinical testing. Allele origin: germline.
Comment: This sequence change replaces alanine, which is neutral and non-polar, with valine, which is neutral and non-polar, at codon 338 of the MAPKAPK3 protein (p.Ala338Val). This variant is present in population databases (rs750526292, gnomAD 0.002%). This variant has not been reported in the literature in individuals affected with MAPKAPK3-related conditions. ClinVar contains an entry for this variant (Variation ID: 966800). An algorithm developed to predict the effect of missense changes on protein structure and function (PolyPhen-2) suggests that this variant is likely to be disruptive. In summary, the available evidence is currently insufficient to determine the role of this variant in disease. Therefore, it has been classified as a Variant of Uncertain Significance.